The following is an entry in ClinVar:

ClinVar aggregate classification (germline): Likely benign (1 of 4 stars; one submission).

Submission:

CeGaT Center for Human Genetics Tuebingen
Classification: Likely benign. Last evaluated: 2025-10-01. Review status: criteria provided, single submitter. Criteria: CeGaT Center For Human Genetics Tuebingen Variant Classification Criteria Version 2. Collection method: clinical testing. Allele origin: germline. Affected: yes. Observed: 1 variant allele.
Comment: TET3: BP4, BP7

NM_001287491.2(TET3):c.1935G>A (p.Pro645=)

Gene: TET3 (tet methylcytosine dioxygenase 3; plus strand). Cytogenetic location: 2p13.1.
Variant type: single nucleotide variant.
Coding change: c.1935G>A on transcript NM_001287491.2 (MANE Select); coding-DNA position 1935, G replaced by A.
Protein change: p.Pro645=; no amino-acid change (proline 645 retained).
Molecular consequence: synonymous variant.
Genome position (GRCh38, 1-based): chr2:74,047,852, G>A. VCF-style: chr2-74047852-G-A. GRCh37 (hg19) VCF-style: chr2-74274979-G-A.
Other names: c.1656G>A, p.Pro552= (NM_001366022.1).
Identifiers: ClinVar variation 4534780 (VCV004534780.6).